The following is an entry in ClinVar:

ClinVar aggregate classification (germline): Likely pathogenic (0 of 4 stars; one submission).

Conditions:
GRHL3-related disorder. Also called: GRHL3-related condition.

Submission:

PreventionGenetics, part of Exact Sciences
Classification: Likely pathogenic for GRHL3-related condition. Last evaluated: 2024-04-09. Review status: no assertion criteria provided. Collection method: clinical testing. Allele origin: germline.
Comment: The GRHL3 c.847delG variant is predicted to result in premature protein termination (p.Val283*). To our knowledge, this variant has not been reported in the literature or in a large population database, indicating this variant is rare. Loss of function variants in GRHL3 are expected to be pathogenic. This variant is interpreted as likely pathogenic.

NM_198173.3(GRHL3):c.847del (p.Val282_Val283insTer)

Gene: GRHL3 (grainyhead like transcription factor 3; plus strand). Cytogenetic location: 1p36.11.
Variant type: Deletion.
Coding change: c.847del on transcript NM_198173.3 (MANE Select); coding-DNA position 847, one base deleted (G; older notation c.847delG).
Protein change: p.Val282_Val283insTer.
Molecular consequence: nonsense.
Genome position (GRCh38, 1-based): chr1:24,337,998, G deleted; the last of 2 consecutive G bases (chr1:24,337,997-24,337,998); deleting either gives the same sequence. VCF-style (leftmost placement, unchanged base first): chr1-24337996-TG-T. GRCh37 (hg19) VCF-style: chr1-24664486-TG-T.
Other names: c.709del, p.Val236_Val237insTer (NM_001195010.2); c.862del, p.Val287_Val288insTer (NM_021180.4); c.847del, p.Val282_Val283insTer (NM_198174.3).
Identifiers: ClinVar variation 3059162 (VCV003059162.2), dbSNP rs2522621962, ClinGen allele CA2740090619.
Genomic context (GRCh38, chr1:24,337,996, plus strand): 5'-TTGGAACCAGGCTCTAGGAAGAGGCCGGGAGTGACTGTGACCAACTGTGCTTGCAGAGTG[TG>T]GTGATGGTTGTCTTCGACAATGAGAAGGTCCCAGTAGAGCAGCTGCGCTTCTGGAAGCAC-3'